The following is an entry in ClinVar:

NM_002382.5(MAX):c.179G>A (p.Arg60Gln)

Gene: MAX (MYC associated transcriptional regulator X; minus strand). Cytogenetic location: 14q23.3.
Variant type: single nucleotide variant.
Coding change: c.179G>A on transcript NM_002382.5 (MANE Select); coding-DNA position 179, G replaced by A.
Protein change: p.Arg60Gln; replaces arginine 60 with glutamine.
Molecular consequence: missense variant. On other transcripts: 5 prime UTR variant (1), intron variant (2).
Genome position (GRCh38, 1-based): chr14:65,078,029, C>T on the plus strand (G>A on the coding strand, the complement: MAX is on the minus strand). VCF-style: chr14-65078029-C-T. GRCh37 (hg19) VCF-style: chr14-65544747-C-T.
Other names: c.-96G>A (NM_001320415.2, NM_001407105.1, NM_001407106.1 and 1 more transcripts); c.179G>A, p.Arg60Gln (NM_001407094.1, NM_001407096.1, NM_001407097.1 and 3 more transcripts); c.152G>A, p.Arg51Gln (NM_001407095.1, NM_001407099.1, NM_001407100.1 and 6 more transcripts); c.71G>A, p.Arg24Gln (NM_001407098.1); c.-189G>A (NM_001407111.1, NM_001407112.1); c.144+15679G>A (NM_001271069.2); c.171+15679G>A (NM_197957.4); short protein forms R51Q, R60Q, R24Q.
Identifiers: ClinVar variation 958620 (VCV000958620.41), dbSNP rs2063106020, ClinGen allele CA390035990.

ClinVar aggregate classification (germline): Conflicting classifications of pathogenicity. Review status: criteria provided, conflicting classifications (1 of 4 stars). 5 submissions from 5 submitters: Pathogenic (1); Likely pathogenic (1); Uncertain significance (1). 2 of the submissions do not count toward it. Last evaluated 2025-12-23.
ClinVar aggregate classification (somatic clinical impact): Tier II - Potential. Review status: criteria provided, single submitter (1 of 4 stars). 4 submissions from 1 submitter. Last evaluated 2025-09-26.

Conditions:
MAX-associated Macrocephaly and Polydactyly syndrome.
Polydactyly-macrocephaly syndrome (PDMCS). Identifiers: MedGen C5882754, MONDO:0958227, OMIM 620712.
MAX-related disorder. Also called: MAX-related condition.
Hereditary pheochromocytoma and paraganglioma. Also called: Hereditary paragangliomas and pheochromocytomas; Hereditary pheochromocytoma-paraganglioma; Hereditary Paraganglioma-Pheochromocytoma Syndromes. Identifiers: Orphanet 29072, MedGen C4274332, MONDO:0017366.
Immature ovarian teratoma. Identifiers: Orphanet 398987, MedGen C0346182, MONDO:0018369.
Diffuse midline glioma, H3 K27M-mutant. Identifiers: MedGen C4289688, MONDO:0957196.
Diffuse pediatric-type high-grade glioma, H3-wildtype and IDH-wildtype. Identifiers: MedGen C5669918, MONDO:0858939.
Neuroblastoma (NB). Identifiers: Orphanet 635, MedGen C0027819, MeSH D009447, MONDO:0005072, HP:0003006.

Submissions (9):

GeneDx
Classification: Pathogenic. Last evaluated: 2025-12-23. Review status: criteria provided, single submitter. Criteria: GeneDx Variant Classification Process June 2021. Collection method: clinical testing. Allele origin: germline.
Comment: Not reported in association with pheochromocytoma-paraganglioma, but identified in three patients from large sequencing cohorts who also had variable overlapping features including polydactyly and autistic features (PMID: 38141607); Published functional studies demonstrate a damaging effect on DNA binding affinity (PMID: 27903915, 38141607); In silico analysis supports that this missense variant has a deleterious effect on protein structure/function; Not observed at significant frequency in large population cohorts (gnomAD); This variant is associated with the following publications: (PMID: 35982159, 33057194, 34689785, 40799178, 40613584, 41203296, 38141607, 27903915, 1730412)

Institute for Genomic Medicine (IGM) Clinical Laboratory, Nationwide Children's Hospital
Classification: Tier II - Potential for Immature ovarian teratoma. Assertion type: diagnostic. Clinical significance: supports diagnosis. Last evaluated: 2025-09-26. Review status: criteria provided, single submitter. Criteria: AMP/ASCO/CAP Guidelines, 2017. Collection method: clinical testing. Allele origin: somatic. Affected: yes.
Comment: Variant has Tier II (potential) clinical significance as a diagnostic inclusion criterion in immature ovarian teratoma, based on the following evidence: 1) Documented in one or more cancer databases (e.g., St. Jude Pecan, COSMIC, CIViC, OncoKB). 2) Information in the literature supports potential biologic effect of variant (PMIDs: 27799065, 38141607). 3) Assists in diagnosis alone or along with other biomarkers based on small studies or few case reports (Evidence Level D; PMIDs: 26619011, 29596783).

Labcorp Genetics (formerly Invitae), Labcorp
Classification: Uncertain significance for Hereditary pheochromocytoma and paraganglioma. Last evaluated: 2025-07-22. Review status: criteria provided, single submitter. Criteria: Invitae Variant Classification Sherloc (09022015). Collection method: clinical testing. Allele origin: germline.
Comment: This sequence change replaces arginine, which is basic and polar, with glutamine, which is neutral and polar, at codon 60 of the MAX protein (p.Arg60Gln). This variant is not present in population databases (gnomAD no frequency). This missense change has been observed in individual(s) with polydactyly-macrocephaly syndrome (PMID: 38141607, 40613584). ClinVar contains an entry for this variant (Variation ID: 958620). An algorithm developed to predict the effect of missense changes on protein structure and function (PolyPhen-2) suggests that this variant is likely to be disruptive. Experimental studies have shown that this missense change affects MAX function (PMID: 27903915, 38141607). In summary, the available evidence is currently insufficient to determine the role of this variant in disease. Therefore, it has been classified as a Variant of Uncertain Significance.

Institute for Genomic Medicine (IGM) Clinical Laboratory, Nationwide Children's Hospital
Classification: Tier II - Potential for Diffuse pediatric-type high-grade glioma, H3-wildtype and IDH-wildtype. Assertion type: diagnostic. Clinical significance: supports diagnosis. Last evaluated: 2025-06-04. Review status: criteria provided, single submitter. Criteria: AMP/ASCO/CAP Guidelines, 2017. Collection method: clinical testing. Allele origin: somatic. Affected: yes.
Comment: Variant has Tier II (potential) clinical significance as a diagnostic inclusion criterion in diffuse pediatric-type high-grade glioma, H3-wildtype and IDH-wildtype, based on the following evidence: 1) Documented in one or more cancer databases (e.g., St. Jude Pecan, COSMIC, CIViC, OncoKB). 2) Information in the literature supports potential biologic effect of variant (PMIDs: 27799065, 11031250, 30054853). 3) Assists in diagnosis alone or along with other biomarkers based on small studies or few case reports (Evidence Level D; PMIDs: 24705252, 31348837, 29872713, 28966033).

Institute for Genomic Medicine (IGM) Clinical Laboratory, Nationwide Children's Hospital
Classification: Tier II - Potential for Diffuse midline glioma, H3 K27M-mutant. Assertion type: diagnostic. Clinical significance: supports diagnosis. Last evaluated: 2024-10-04. Review status: criteria provided, single submitter. Criteria: AMP/ASCO/CAP Guidelines, 2017. Collection method: clinical testing. Allele origin: somatic. Affected: yes.
Comment: Variant has Tier II (potential) clinical significance as a diagnostic inclusion criterion in diffuse midline glioma, H3 K27M-mutant, based on the following evidence: 1) Documented in one or more cancer databases (e.g., St. Jude Pecan, COSMIC, CIViC, OncoKB). 2) Information in the literature supports potential biologic effect of variant (PMID: 27799065). 3) Diagnostic significance based on multiple small studies (Evidence Level C; PMIDs: 24705252, 31348837, 29872713).

Rady Children's Institute for Genomic Medicine, Rady Children's Hospital San Diego
Classification: Likely pathogenic for MAX-related disorders. Last evaluated: 2024-08-10. Review status: criteria provided, single submitter. Criteria: ACMG Guidelines, 2015. Collection method: clinical testing. Allele origin: germline. Affected: yes.
Comment: This variant has been previously reported as a recurrent de novo heterozygous change in patients with MAX-associated polydactyly-macrocephaly syndrome (PMID: 38141607). The c.179G>A (p.Arg60Gln) variant affects a highly conserved amino acid and is predicted by multiple in silico tools to have a deleterious effect on protein function. Functional studies have confirmed this variant leads to transcriptional dysregulation resulting in increased CCDN2 protein production, which is associated with macrocephaly and polydactyly phenotypes (PMID: 38141607, 27903915). The c.179G>A (p.Arg60Gln) variant is absent from the latest version of the gnomAD population database and thus is presumed to be rare. Based on the available evidence, c.179G>A (p.Arg60Gln) is classified as Likely Pathogenic.

Institute for Genomic Medicine (IGM) Clinical Laboratory, Nationwide Children's Hospital
Classification: Tier II - Potential for Neuroblastoma. Assertion type: diagnostic. Clinical significance: supports diagnosis. Last evaluated: 2024-08-02. Review status: criteria provided, single submitter. Criteria: AMP/ASCO/CAP Guidelines, 2017. Collection method: clinical testing. Allele origin: somatic. Affected: yes.
Comment: Variant has Tier II (potential) clinical significance as a diagnostic inclusion criterion in neuroblastoma, based on the following evidence: 1) Documented in one or more cancer databases (e.g., St. Jude Pecan, COSMIC, CIViC, OncoKB). 2) Information in the literature supports potential biologic effect of variant (PMIDs: 27799065, 11031250, 30054853). 3) Assists in diagnosis alone or along with other biomarkers based on small studies or few case reports (Evidence Level D; PMIDs: 33056981, 28007021).

OMIM
Classification: Pathogenic for POLYDACTYLY-MACROCEPHALY SYNDROME. Last evaluated: 2024-02-08. Review status: no assertion criteria provided. Collection method: literature only. Allele origin: unknown. Not counted in ClinVar's aggregate classification.

Leeds Institute of Medical Research, University of Leeds
Classification: Pathogenic for MAX-associated Macrocephaly and Polydactyly syndrome. Last evaluated: 2022-10-18. Review status: no assertion criteria provided. Collection method: clinical testing. Allele origin: de novo. Affected: yes. Observed: 3 variant alleles. Not counted in ClinVar's aggregate classification.

Literature cited by the submitters: PubMed 27799065 (cited by Institute for Genomic Medicine (IGM) Clinical Laboratory, Nationwide Children's Hospital); PubMed 38141607 (cited by 3 submitters); PubMed 26619011 (cited by Institute for Genomic Medicine (IGM) Clinical Laboratory, Nationwide Children's Hospital); PubMed 29596783 (cited by Institute for Genomic Medicine (IGM) Clinical Laboratory, Nationwide Children's Hospital); PubMed 40613584 (cited by Labcorp Genetics (formerly Invitae), Labcorp); PubMed 27903915 (cited by Labcorp Genetics (formerly Invitae), Labcorp); PubMed 11031250 (cited by Institute for Genomic Medicine (IGM) Clinical Laboratory, Nationwide Children's Hospital); PubMed 30054853 (cited by Institute for Genomic Medicine (IGM) Clinical Laboratory, Nationwide Children's Hospital); PubMed 24705252 (cited by Institute for Genomic Medicine (IGM) Clinical Laboratory, Nationwide Children's Hospital); PubMed 31348837 (cited by Institute for Genomic Medicine (IGM) Clinical Laboratory, Nationwide Children's Hospital); PubMed 29872713 (cited by Institute for Genomic Medicine (IGM) Clinical Laboratory, Nationwide Children's Hospital); PubMed 28966033 (cited by Institute for Genomic Medicine (IGM) Clinical Laboratory, Nationwide Children's Hospital); PubMed 33056981 (cited by Institute for Genomic Medicine (IGM) Clinical Laboratory, Nationwide Children's Hospital); PubMed 28007021 (cited by Institute for Genomic Medicine (IGM) Clinical Laboratory, Nationwide Children's Hospital).